The following is an entry in ClinVar:

NM_002661.5(PLCG2):c.3291C>G (p.Asn1097Lys)

Gene: PLCG2 (phospholipase C gamma 2; plus strand). Cytogenetic location: 16q23.3.
Variant type: single nucleotide variant.
Coding change: c.3291C>G on transcript NM_002661.5 (MANE Select); coding-DNA position 3291, C replaced by G.
Protein change: p.Asn1097Lys; replaces asparagine 1097 with lysine.
Molecular consequence: missense variant.
Genome position (GRCh38, 1-based): chr16:81,938,893, C>G. VCF-style: chr16-81938893-C-G. GRCh37 (hg19) VCF-style: chr16-81972498-C-G.
Other names: short protein forms N1097K.
Identifiers: ClinVar variation 1444724 (VCV001444724.8), dbSNP rs1910825289, ClinGen allele CA396907615.

ClinVar aggregate classification (germline): Uncertain significance (1 of 4 stars; one submission).

Conditions:
Familial cold autoinflammatory syndrome 3 (FCAS3). Also called: FAMILIAL ATYPICAL COLD URTICARIA; ANTIBODY DEFICIENCY AND IMMUNE DYSREGULATION, PLCG2-ASSOCIATED. Identifiers: Orphanet 300359, MedGen C3280914, MONDO:0013766, OMIM 614468.

Allele frequency attached by ClinVar (database versions not stated): gnomAD 0.00001.
gnomAD v4.1: 4 of 1,609,058 alleles (0.00025%); highest among the groups gnomAD compares: African/African-American, 0.0013%; no homozygotes.

Submission:

Labcorp Genetics (formerly Invitae), Labcorp
Classification: Uncertain significance for Familial cold autoinflammatory syndrome 3. Last evaluated: 2021-07-01. Review status: criteria provided, single submitter. Criteria: Invitae Variant Classification Sherloc (09022015). Collection method: clinical testing. Allele origin: germline.
Comment: This sequence change replaces asparagine with lysine at codon 1097 of the PLCG2 protein (p.Asn1097Lys). The asparagine residue is moderately conserved and there is a moderate physicochemical difference between asparagine and lysine. This variant is not present in population databases (ExAC no frequency). This variant has not been reported in the literature in individuals affected with PLCG2-related conditions. Algorithms developed to predict the effect of missense changes on protein structure and function (SIFT, PolyPhen-2, Align-GVGD) all suggest that this variant is likely to be tolerated. In summary, the available evidence is currently insufficient to determine the role of this variant in disease. Therefore, it has been classified as a Variant of Uncertain Significance.